The following is an entry in ClinVar:

NM_147127.5(EVC2):c.1845C>T (p.Thr615=)

Gene: EVC2 (EvC ciliary complex subunit 2; minus strand). Cytogenetic location: 4p16.2.
Variant type: single nucleotide variant.
Coding change: c.1845C>T on transcript NM_147127.5 (MANE Select); coding-DNA position 1845, C replaced by T.
Protein change: p.Thr615=; no amino-acid change (threonine 615 retained).
Molecular consequence: synonymous variant.
Genome position (GRCh38, 1-based): chr4:5,628,600, G>A on the plus strand (C>T on the coding strand, the complement: EVC2 is on the minus strand). VCF-style: chr4-5628600-G-A. GRCh37 (hg19) VCF-style: chr4-5630327-G-A.
Other names: c.1605C>T, p.Thr535= (NM_001166136.2).
Identifiers: ClinVar variation 349079 (VCV000349079.43), dbSNP rs112747818, ClinGen allele CA2834923.

ClinVar aggregate classification (germline): Benign/Likely benign. Review status: criteria provided, multiple submitters, no conflicts (2 of 4 stars). 6 submissions from 6 submitters: Benign (4); Likely benign (2). Last evaluated 2026-02-01.

Conditions:
Ellis-van Creveld syndrome (EVC). Also called: Chondroectodermal dysplasia; MESOECTODERMAL DYSPLASIA. Identifiers: Orphanet 289, MedGen C0013903, MONDO:0009162, OMIM 225500.
Curry-Hall syndrome (WAD). Also called: WEYERS ACRODENTAL DYSOSTOSIS. Identifiers: Orphanet 952, MedGen C0457013, MONDO:0008673, OMIM 193530.

Allele frequency attached by ClinVar (database versions not stated): gnomAD exomes 0.00071 and 0.00182; ExAC 0.00196; 1000 Genomes Project 0.00459; gnomAD 0.00478 and 0.00512; ESP Exome Variant Server 0.00546; 1000 Genomes Project 30x 0.00578; TOPMed 0.00618.
gnomAD v4.1: 1,844 of 1,614,034 alleles (0.11%); highest among the groups gnomAD compares: African/African-American, 1.5%; 7 homozygotes.

Submissions (6):

CeGaT Center for Human Genetics Tuebingen
Classification: Likely benign. Last evaluated: 2026-02-01. Review status: criteria provided, single submitter. Criteria: CeGaT Center For Human Genetics Tuebingen Variant Classification Criteria Version 2. Collection method: clinical testing. Allele origin: germline. Affected: yes. Observed: 2 variant alleles.
Comment: EVC2: BP4, BP7, BS1

Labcorp Genetics (formerly Invitae), Labcorp
Classification: Benign for Curry-Hall syndrome; Ellis-van Creveld syndrome. Last evaluated: 2026-01-26. Review status: criteria provided, single submitter. Criteria: Invitae Variant Classification Sherloc (09022015). Collection method: clinical testing. Allele origin: germline.

ARUP Laboratories, Molecular Genetics and Genomics, ARUP Laboratories
Classification: Benign. Last evaluated: 2025-02-25. Review status: criteria provided, single submitter. Criteria: ARUP Molecular Germline Variant Investigation Process 2024. Collection method: clinical testing. Allele origin: germline.

Blueprint Genetics
Classification: Likely benign. Last evaluated: 2024-11-26. Review status: criteria provided, single submitter. Criteria: ACMG Guidelines, 2015. Collection method: clinical testing. Allele origin: germline.

GeneDx
Classification: Benign. Last evaluated: 2019-04-18. Review status: criteria provided, single submitter. Criteria: GeneDx Variant Classification Process June 2021. Collection method: clinical testing. Allele origin: germline. Affected: yes.

Illumina Laboratory Services, Illumina
Classification: Benign for Ellis-van Creveld syndrome. Last evaluated: 2018-01-12. Review status: criteria provided, single submitter. Criteria: ICSL Variant Classification Criteria 13 December 2019. Collection method: clinical testing. Allele origin: germline.
Comment: This variant was observed in the ICSL laboratory as part of a predisposition screen in an ostensibly healthy population. It had not been previously curated by ICSL or reported in the Human Gene Mutation Database (HGMD: prior to June 1st, 2018), and was therefore a candidate for classification through an automated scoring system. Utilizing variant allele frequency, disease prevalence and penetrance estimates, and inheritance mode, an automated score was calculated to assess if this variant is too frequent to cause the disease. Based on the score and internal cut-off values, a variant classified as benign is not then subjected to further curation. The score for this variant resulted in a classification of benign for this disease.